The following is an entry in ClinVar:

ClinVar aggregate classification (germline): Conflicting classifications of pathogenicity. Review status: criteria provided, conflicting classifications (1 of 4 stars). 2 submissions from 2 submitters: Likely pathogenic (1); Uncertain significance (1). Last evaluated 2025-12-29.

Conditions:
Cowden syndrome 7 (CWS7). Identifiers: Orphanet 201, MedGen C4225179, MONDO:0014802, OMIM 616858.
Congenital dyserythropoietic anemia, type II (CDAN2). Also called: DYSERYTHROPOIETIC ANEMIA, HEMPAS TYPE. Identifiers: Orphanet 98873, MedGen C1306589, MONDO:0009134, OMIM 224100.

Allele frequency attached by ClinVar (database versions not stated): TOPMed below 0.00001.
gnomAD v4.1: 1 of 1,614,152 alleles (0.000062%); no homozygotes.

Submissions (2):

Center for Genomic Medicine, Rigshospitalet, Copenhagen University Hospital
Classification: Likely pathogenic. Last evaluated: 2025-12-29. Review status: criteria provided, single submitter. Criteria: ACMG Guidelines, 2015. Collection method: clinical testing. Allele origin: germline.
Comment: Classification criteria: PM2_Supporting, PP3_Strong, PP4_Strong

Labcorp Genetics (formerly Invitae), Labcorp
Classification: Uncertain significance for Congenital dyserythropoietic anemia, type II; Cowden syndrome 7. Last evaluated: 2024-05-13. Review status: criteria provided, single submitter. Criteria: Invitae Variant Classification Sherloc (09022015). Collection method: clinical testing. Allele origin: germline.
Comment: This sequence change replaces leucine, which is neutral and non-polar, with serine, which is neutral and polar, at codon 527 of the SEC23B protein (p.Leu527Ser). This variant is not present in population databases (gnomAD no frequency). This variant has not been reported in the literature in individuals affected with SEC23B-related conditions. ClinVar contains an entry for this variant (Variation ID: 2151733). Advanced modeling of protein sequence and biophysical properties (such as structural, functional, and spatial information, amino acid conservation, physicochemical variation, residue mobility, and thermodynamic stability) has been performed at Invitae for this missense variant, however the output from this modeling did not meet the statistical confidence thresholds required to predict the impact of this variant on SEC23B protein function. In summary, the available evidence is currently insufficient to determine the role of this variant in disease. Therefore, it has been classified as a Variant of Uncertain Significance.

Literature cited by the submitters: PubMed 20015893 (cited by Center for Genomic Medicine, Rigshospitalet, Copenhagen University Hospital); PubMed 38103548 (cited by Center for Genomic Medicine, Rigshospitalet, Copenhagen University Hospital).

NM_006363.6(SEC23B):c.1580T>C (p.Leu527Ser)

Gene: SEC23B (SEC23 homolog B, COPII component; plus strand). Cytogenetic location: 20p11.23.
Variant type: single nucleotide variant.
Coding change: c.1580T>C on transcript NM_006363.6 (MANE Select); coding-DNA position 1580, T replaced by C.
Protein change: p.Leu527Ser; replaces leucine 527 with serine.
Molecular consequence: missense variant.
Genome position (GRCh38, 1-based): chr20:18,543,087, T>C. VCF-style: chr20-18543087-T-C. GRCh37 (hg19) VCF-style: chr20-18523731-T-C.
Other names: c.1580T>C, p.Leu527Ser (NM_001172745.3, NM_032985.6, NM_032986.5); c.1526T>C, p.Leu509Ser (NM_001172746.3); short protein forms L527S, L509S.
Identifiers: ClinVar variation 2151733 (VCV002151733.4), dbSNP rs2060303450, ClinGen allele CA408364086.